The following is an entry in ClinVar:

ClinVar aggregate classification (germline): Uncertain significance (1 of 4 stars; one submission).

Conditions:
Long QT syndrome (LQTS). Identifiers: MedGen C0023976, MeSH D008133, MONDO:0002442. Disease mechanism: loss of function. Inheritance: Various modes of inheritance.

gnomAD v4.1: 3 of 1,613,846 alleles (0.00019%); highest among the groups gnomAD compares: African/African-American, 0.0013%; no homozygotes.

Submission:

Labcorp Genetics (formerly Invitae), Labcorp
Classification: Uncertain significance for Long QT syndrome. Last evaluated: 2025-10-19. Review status: criteria provided, single submitter. Criteria: Invitae Variant Classification Sherloc (09022015). Collection method: clinical testing. Allele origin: germline.
Comment: This sequence change replaces glutamine, which is neutral and polar, with arginine, which is basic and polar, at codon 1495 of the AKAP9 protein (p.Gln1495Arg). The frequency data for this variant in the population databases is considered unreliable, as metrics indicate poor data quality at this position in the gnomAD database. This variant has not been reported in the literature in individuals affected with AKAP9-related conditions. An algorithm developed to predict the effect of missense changes on protein structure and function (PolyPhen-2) suggests that this variant is likely to be tolerated. In summary, the available evidence is currently insufficient to determine the role of this variant in disease. Therefore, it has been classified as a Variant of Uncertain Significance.

NM_005751.5(AKAP9):c.4484A>G (p.Gln1495Arg)

Gene: AKAP9 (A-kinase anchoring protein 9; plus strand). Cytogenetic location: 7q21.2.
Variant type: single nucleotide variant.
Coding change: c.4484A>G on transcript NM_005751.5 (MANE Select); coding-DNA position 4484, A replaced by G.
Protein change: p.Gln1495Arg; replaces glutamine 1495 with arginine.
Molecular consequence: missense variant.
Genome position (GRCh38, 1-based): chr7:92,038,564, A>G. VCF-style: chr7-92038564-A-G. GRCh37 (hg19) VCF-style: chr7-91667878-A-G.
Other names: c.4484A>G, p.Gln1495Arg (NM_147185.3); short protein forms Q1495R.
Identifiers: ClinVar variation 4729511 (VCV004729511.1).